The following is an entry in ClinVar:

NM_032634.4(PIGO):c.1334G>A (p.Arg445His)

Gene: PIGO (phosphatidylinositol glycan anchor biosynthesis class O; minus strand). Cytogenetic location: 9p13.3.
Variant type: single nucleotide variant.
Coding change: c.1334G>A on transcript NM_032634.4 (MANE Select); coding-DNA position 1334, G replaced by A.
Protein change: p.Arg445His; replaces arginine 445 with histidine.
Molecular consequence: missense variant.
Genome position (GRCh38, 1-based): chr9:35,092,553, C>T on the plus strand (G>A on the coding strand, the complement: PIGO is on the minus strand). VCF-style: chr9-35092553-C-T. GRCh37 (hg19) VCF-style: chr9-35092550-C-T.
Other names: c.1334G>A, p.Arg445His (NM_001201484.2, NM_152850.4); short protein forms R445H.
Identifiers: ClinVar variation 2069367 (VCV002069367.4), dbSNP rs145761915, ClinGen allele CA5040657.

ClinVar aggregate classification (germline): Uncertain significance. Review status: criteria provided, multiple submitters, no conflicts (2 of 4 stars). 2 submissions from 2 submitters: Uncertain significance (2). Last evaluated 2024-10-23.

Conditions:
Hyperphosphatasia with impaired intellectual development syndrome 2. Also called: Hyperphosphatasia with intellectual disability syndrome 2; GLYCOSYLPHOSPHATIDYLINOSITOL BIOSYNTHESIS DEFECT 6. Identifiers: Orphanet 247262, MedGen C3553637, MONDO:0013882, OMIM 614749.

Allele frequency attached by ClinVar (database versions not stated): TOPMed below 0.00001; ExAC 0.00003; ESP Exome Variant Server 0.00008.

Submissions (2):

Labcorp Genetics (formerly Invitae), Labcorp
Classification: Uncertain significance for Hyperphosphatasia with impaired intellectual development syndrome 2. Last evaluated: 2024-10-23. Review status: criteria provided, single submitter. Criteria: Invitae Variant Classification Sherloc (09022015). Collection method: clinical testing. Allele origin: germline.
Comment: This sequence change replaces arginine, which is basic and polar, with histidine, which is basic and polar, at codon 445 of the PIGO protein (p.Arg445His). This variant is present in population databases (rs145761915, gnomAD 0.01%). This variant has not been reported in the literature in individuals affected with PIGO-related conditions. ClinVar contains an entry for this variant (Variation ID: 2069367). Invitae Evidence Modeling of protein sequence and biophysical properties (such as structural, functional, and spatial information, amino acid conservation, physicochemical variation, residue mobility, and thermodynamic stability) indicates that this missense variant is not expected to disrupt PIGO protein function with a negative predictive value of 80%. In summary, the available evidence is currently insufficient to determine the role of this variant in disease. Therefore, it has been classified as a Variant of Uncertain Significance.

Blueprint Genetics
Classification: Uncertain significance. Last evaluated: 2023-11-06. Review status: criteria provided, single submitter. Criteria: ACMG Guidelines, 2015. Collection method: clinical testing. Allele origin: germline.